The following is an entry in ClinVar:

ClinVar aggregate classification (germline): Conflicting classifications of pathogenicity. Review status: criteria provided, conflicting classifications (1 of 4 stars). 5 submissions from 5 submitters: Uncertain significance (4); Likely benign (1). Last evaluated 2025-12-09.

Conditions:
Emery-Dreifuss muscular dystrophy 5, autosomal dominant (EDMD5). Also called: EMERY-DREIFUSS MUSCULAR DYSTROPHY 5. Identifiers: Orphanet 261, MedGen C2751805, MONDO:0013072, OMIM 612999.

Allele frequency attached by ClinVar (database versions not stated): gnomAD exomes 0.00001 and 0.00002; ExAC 0.00003; gnomAD 0.00018 and 0.00019; TOPMed 0.00020; ESP Exome Variant Server 0.00026.
gnomAD v4.1: 49 of 1,612,706 alleles (0.003%); highest among the groups gnomAD compares: African/African-American, 0.059%; no homozygotes.

Submissions (5):

Women's Health and Genetics/Laboratory Corporation of America, LabCorp
Classification: Uncertain significance. Last evaluated: 2025-12-09. Review status: criteria provided, single submitter. Criteria: LabCorp Variant Classification Summary - May 2015. Collection method: clinical testing. Allele origin: germline.
Comment: Variant summary: SYNE2 c.9315A>C (p.Leu3105Phe) results in a non-conservative amino acid change in the encoded protein sequence. Algorithms developed to predict the effect of missense changes on protein structure and function are either unavailable or do not agree on the potential impact of this missense change. The variant allele was found at a frequency of 2.4e-05 in 247128 control chromosomes. The available data on variant occurrences in the general population are insufficient to allow any conclusion about variant significance. To our knowledge, no occurrence of c.9315A>C in individuals affected with SYNE2-related conditions and no experimental evidence demonstrating its impact on protein function have been reported. The following publication has been ascertained in the context of this evaluation (PMID: 30564623). ClinVar contains an entry for this variant (Variation ID: 283619). Based on the evidence outlined above, the variant was classified as uncertain significance.

Labcorp Genetics (formerly Invitae), Labcorp
Classification: Likely benign for Emery-Dreifuss muscular dystrophy 5, autosomal dominant. Last evaluated: 2025-10-02. Review status: criteria provided, single submitter. Criteria: Invitae Variant Classification Sherloc (09022015). Collection method: clinical testing. Allele origin: germline.

Ambry Genetics
Classification: Uncertain significance. Last evaluated: 2024-01-03. Review status: criteria provided, single submitter. Criteria: Ambry Variant Classification Scheme 2023. Collection method: clinical testing. Allele origin: germline.

Revvity Omics, Revvity
Classification: Uncertain significance for Emery-Dreifuss muscular dystrophy 5, autosomal dominant. Last evaluated: 2021-03-13. Review status: criteria provided, single submitter. Criteria: ACMG Guidelines, 2015. Collection method: clinical testing. Allele origin: germline.

Eurofins Ntd Llc (ga)
Classification: Uncertain significance. Last evaluated: 2015-09-28. Review status: criteria provided, single submitter. Criteria: EGL Classification Definitions 2015. Collection method: clinical testing. Allele origin: germline. Observed: 1 variant allele, 1 heterozygote.

Literature cited by the submitters: PubMed 30564623 (cited by Women's Health and Genetics/Laboratory Corporation of America, LabCorp).

NM_182914.3(SYNE2):c.9315A>C (p.Leu3105Phe)

Gene: SYNE2 (spectrin repeat containing nuclear envelope protein 2; plus strand). Cytogenetic location: 14q23.2.
Variant type: single nucleotide variant.
Coding change: c.9315A>C on transcript NM_182914.3 (MANE Select); coding-DNA position 9315, A replaced by C.
Protein change: p.Leu3105Phe; replaces leucine 3105 with phenylalanine.
Molecular consequence: missense variant.
Genome position (GRCh38, 1-based): chr14:64,053,228, A>C. VCF-style: chr14-64053228-A-C. GRCh37 (hg19) VCF-style: chr14-64519946-A-C.
Other names: c.9315A>C, p.Leu3105Phe (NM_015180.6); short protein forms L3105F.
Identifiers: ClinVar variation 283619 (VCV000283619.20), dbSNP rs201466326, ClinGen allele CA7221251.